The following is an entry in ClinVar:

NM_005670.4(EPM2A):c.986G>A (p.Cys329Tyr)

Gene: EPM2A (EPM2A glucan phosphatase, laforin; minus strand). Cytogenetic location: 6q24.3.
Variant type: single nucleotide variant.
Coding change: c.986G>A on transcript NM_005670.4 (MANE Select); coding-DNA position 986, G replaced by A.
Protein change: p.Cys329Tyr; replaces cysteine 329 with tyrosine.
Molecular consequence: missense variant. On other transcripts: 3 prime UTR variant (1), non-coding transcript variant (1), intron variant (1).
Genome position (GRCh38, 1-based): chr6:145,627,426, C>T on the plus strand (G>A on the coding strand, the complement: EPM2A is on the minus strand). VCF-style: chr6-145627426-C-T. GRCh37 (hg19) VCF-style: chr6-145948562-C-T.
Other names: c.*69G>A (NM_001360057.2); c.572G>A, p.Cys191Tyr (NM_001360064.2, NM_001360071.2, NM_001368131.1); c.524G>A, p.Cys175Tyr (NM_001368129.2, NM_001368132.1); c.924+62G>A (NM_001018041.2); short protein forms C175Y, C191Y, C329Y.
Identifiers: ClinVar variation 642472 (VCV000642472.8), dbSNP rs780826386, ClinGen allele CA4035027.

ClinVar aggregate classification (germline): Uncertain significance (1 of 4 stars; one submission).

Conditions:
Progressive myoclonic epilepsy. Also called: Familial progressive myoclonic epilepsy; Myoclonus epilepsy; Progressive myoclonus epilepsy; Myoclonic Epilepsies, Progressive. Identifiers: Orphanet 308, Orphanet 98261, MedGen C0751778, MONDO:0020074.

Allele frequency attached by ClinVar (database versions not stated): gnomAD exomes 0.00002 and 0.00004; ExAC 0.00007.
gnomAD v4.1: 33 of 1,614,216 alleles (0.002%); highest among the groups gnomAD compares: Non-Finnish European, 0.0027%; no homozygotes.

Submission:

Labcorp Genetics (formerly Invitae), Labcorp
Classification: Uncertain significance for Progressive myoclonic epilepsy. Last evaluated: 2018-11-27. Review status: criteria provided, single submitter. Criteria: Invitae Variant Classification Sherloc (09022015). Collection method: clinical testing. Allele origin: germline.
Comment: In summary, the available evidence is currently insufficient to determine the role of this variant in disease. Therefore, it has been classified as a Variant of Uncertain Significance. Algorithms developed to predict the effect of missense changes on protein structure and function are either unavailable or do not agree on the potential impact of this missense change (SIFT: "Deleterious"; PolyPhen-2: "Possibly Damaging"; Align-GVGD: "Class C0"). This variant has not been reported in the literature in individuals with EPM2A-related conditions. This variant is present in population databases (rs780826386, ExAC 0.01%). This sequence change replaces cysteine with tyrosine at codon 329 of the EPM2A protein (p.Cys329Tyr). The cysteine residue is highly conserved and there is a large physicochemical difference between cysteine and tyrosine.